The following is an entry in ClinVar:

ClinVar aggregate classification (germline): Benign. Review status: criteria provided, multiple submitters, no conflicts (2 of 4 stars). 9 submissions from 8 submitters: Benign (8). 1 of the submissions does not count toward it. Last evaluated 2026-02-03.

Conditions:
Microcephalic osteodysplastic dysplasia, Saul-Wilson type. Also called: MICROCEPHALIC OSTEODYSPLASTIC DYSPLASIA; Saul-Wilson Syndrome. Identifiers: Orphanet 85172, MedGen C4509877, MONDO:0019407, OMIM 618150.
COG4-congenital disorder of glycosylation. Also called: COG4-CDG; CONGENITAL DISORDER OF GLYCOSYLATION, TYPE IIj; CDG IIj. Identifiers: Orphanet 263501, MedGen C4303552, MONDO:0013281, OMIM 613489.

Allele frequency attached by ClinVar (database versions not stated): gnomAD 0.38086 and 0.39363; ESP Exome Variant Server 0.38181; TOPMed 0.39363; ExAC 0.45110; gnomAD exomes 0.45322; 1000 Genomes Project 30x 0.46034; 1000 Genomes Project 0.47025.

Submissions (9):

Labcorp Genetics (formerly Invitae), Labcorp
Classification: Benign for COG4-congenital disorder of glycosylation. Last evaluated: 2026-02-03. Review status: criteria provided, single submitter. Criteria: Invitae Variant Classification Sherloc (09022015). Collection method: clinical testing. Allele origin: germline.

Genome-Nilou Lab
Classification: Benign for COG4-congenital disorder of glycosylation. Last evaluated: 2021-07-22. Review status: criteria provided, single submitter. Criteria: ACMG Guidelines, 2015. Collection method: clinical testing. Allele origin: germline. Affected: no.

Genome-Nilou Lab
Classification: Benign for Microcephalic osteodysplastic dysplasia, Saul-Wilson type. Last evaluated: 2021-07-22. Review status: criteria provided, single submitter. Criteria: ACMG Guidelines, 2015. Collection method: clinical testing. Allele origin: germline. Affected: no.

Mayo Clinic Laboratories, Mayo Clinic
Classification: Benign. Last evaluated: 2017-12-14. Review status: criteria provided, single submitter. Criteria: ACMG Guidelines, 2015. Collection method: clinical testing. Allele origin: germline. Observed: 30 variant alleles.

GeneDx
Classification: Benign. Last evaluated: 2015-12-02. Review status: criteria provided, single submitter. Criteria: GeneDx Variant Classification (06012015). Collection method: clinical testing. Allele origin: germline. Affected: yes.
Comment: This variant is considered likely benign or benign based on one or more of the following criteria: it is a conservative change, it occurs at a poorly conserved position in the protein, it is predicted to be benign by multiple in silico algorithms, and/or has population frequency not consistent with disease.

Eurofins Ntd Llc (ga)
Classification: Benign. Last evaluated: 2013-01-11. Review status: criteria provided, single submitter. Criteria: EGL Classification Definitions 2015. Collection method: clinical testing. Allele origin: germline. Observed: 1 variant allele, 1 heterozygote.

Breakthrough Genomics
Classification: Benign. Review status: criteria provided, single submitter. Criteria: ACMG Guidelines, 2015. Collection method: not provided. Allele origin: germline. Inheritance: Autosomal recessive inheritance. Affected: yes.

PreventionGenetics, part of Exact Sciences
Classification: Benign. Review status: criteria provided, single submitter. Criteria: ACMG Guidelines, 2015. Collection method: clinical testing. Allele origin: germline.

Genetic Services Laboratory, University of Chicago
Classification: Likely benign for AllHighlyPenetrant. Review status: no assertion criteria provided. Collection method: clinical testing. Allele origin: germline. Inheritance: Autosomal recessive inheritance. Not counted in ClinVar's aggregate classification.
Comment: Likely benign based on allele frequency in 1000 Genomes Project or ESP global frequency and its presence in a patient with a rare or unrelated disease phenotype. NOT Sanger confirmed.

NM_015386.3(COG4):c.646C>T (p.Leu216=)

Gene: COG4 (component of oligomeric golgi complex 4; minus strand). Cytogenetic location: 16q22.1.
Variant type: single nucleotide variant.
Coding change: c.646C>T on transcript NM_015386.3 (MANE Select); coding-DNA position 646, C replaced by T.
Protein change: p.Leu216=; no amino-acid change (leucine 216 retained).
Molecular consequence: synonymous variant. On other transcripts: non-coding transcript variant (1).
Genome position (GRCh38, 1-based): chr16:70,512,331, G>A on the plus strand (C>T on the coding strand, the complement: COG4 is on the minus strand). VCF-style: chr16-70512331-G-A. GRCh37 (hg19) VCF-style: chr16-70546234-G-A.
Other names: p.Leu216=; c.634C>T, p.Leu212= (NM_001195139.2); c.220C>T, p.Leu74= (NM_001365426.1).
Identifiers: ClinVar variation 95699 (VCV000095699.23), dbSNP rs3762171, ClinGen allele CA148768.